The following is an entry in ClinVar:

NM_144999.4(LRRC45):c.1984C>T (p.Pro662Ser)

Gene: LRRC45 (leucine rich repeat containing 45; plus strand). Cytogenetic location: 17q25.3.
Variant type: single nucleotide variant.
Coding change: c.1984C>T on transcript NM_144999.4 (MANE Select); coding-DNA position 1984, C replaced by T.
Protein change: p.Pro662Ser; replaces proline 662 with serine.
Molecular consequence: missense variant.
Genome position (GRCh38, 1-based): chr17:82,030,776, C>T. VCF-style: chr17-82030776-C-T. GRCh37 (hg19) VCF-style: chr17-79988652-C-T.
Other names: short protein forms P662S.
Identifiers: ClinVar variation 4984495 (VCV004984495.1).

ClinVar aggregate classification (germline): Uncertain significance (1 of 4 stars; one submission).

Conditions:
LRRC45-related disorder. Also called: LRRC45-related condition.

gnomAD v4.1: 5 of 1,420,544 alleles (0.00035%); highest among the groups gnomAD compares: Admixed American, 0.0024%; no homozygotes.

Submission:

PreventionGenetics, part of Exact Sciences
Classification: Uncertain significance for LRRC45-related condition. Last evaluated: 2026-04-04. Review status: criteria provided, single submitter. Criteria: ACMG Guidelines, 2015. Collection method: clinical testing. Allele origin: germline.
Comment: The LRRC45 c.1984C>T variant is predicted to result in the amino acid substitution p.Pro662Ser. To our knowledge, this variant has not been reported in the literature. This variant is reported in 0.0057% of alleles in individuals of Latino descent in gnomAD. At this time, the clinical significance of this variant is uncertain due to the absence of conclusive functional and genetic evidence.